The following is an entry in ClinVar:

NM_006063.3(KLHL41):c.1393G>T (p.Val465Leu)

Gene: KLHL41 (kelch like family member 41; plus strand). Cytogenetic location: 2q31.1.
Variant type: single nucleotide variant.
Coding change: c.1393G>T on transcript NM_006063.3 (MANE Select); coding-DNA position 1393, G replaced by T.
Protein change: p.Val465Leu; replaces valine 465 with leucine.
Molecular consequence: missense variant.
Genome position (GRCh38, 1-based): chr2:169,518,206, G>T. VCF-style: chr2-169518206-G-T. GRCh37 (hg19) VCF-style: chr2-170374716-G-T.
Other names: short protein forms V465L.
Identifiers: ClinVar variation 2041673 (VCV002041673.4), dbSNP rs1217535416, ClinGen allele CA349178952.

ClinVar aggregate classification (germline): Uncertain significance (1 of 4 stars; one submission).

Conditions:
Nemaline myopathy 9 (NEM9). Identifiers: MedGen C3810384, MONDO:0014326, OMIM 615731.

gnomAD v4.1: 2 of 1,612,584 alleles (0.00012%); highest among the groups gnomAD compares: Non-Finnish European, 0.00017%; no homozygotes.

Submission:

Labcorp Genetics (formerly Invitae), Labcorp
Classification: Uncertain significance for Nemaline myopathy 9. Last evaluated: 2021-12-13. Review status: criteria provided, single submitter. Criteria: Invitae Variant Classification Sherloc (09022015). Collection method: clinical testing. Allele origin: germline.
Comment: In summary, the available evidence is currently insufficient to determine the role of this variant in disease. Therefore, it has been classified as a Variant of Uncertain Significance. Algorithms developed to predict the effect of sequence changes on RNA splicing suggest that this variant may create or strengthen a splice site. Algorithms developed to predict the effect of missense changes on protein structure and function (SIFT, PolyPhen-2, Align-GVGD) all suggest that this variant is likely to be tolerated. This variant has not been reported in the literature in individuals affected with KLHL41-related conditions. This variant is not present in population databases (gnomAD no frequency). This sequence change replaces valine, which is neutral and non-polar, with leucine, which is neutral and non-polar, at codon 465 of the KLHL41 protein (p.Val465Leu).